The following is an entry in ClinVar:

ClinVar aggregate classification (germline): Pathogenic (1 of 4 stars; one submission).

Conditions:
Kleefstra syndrome 1 (KLEFS1). Identifiers: Orphanet 261494, MedGen C0795833, MONDO:0027407, OMIM 610253.

Submission:

Labcorp Genetics (formerly Invitae), Labcorp
Classification: Pathogenic for Kleefstra syndrome 1. Last evaluated: 2023-02-19. Review status: criteria provided, single submitter. Criteria: Invitae Variant Classification Sherloc (09022015). Collection method: clinical testing. Allele origin: germline.
Comment: This variant is a gross deletion of the genomic region encompassing exon(s) 1 of the EHMT1 gene, which includes the initiator codon. This deletion extends beyond the assayed region for this gene and therefore may encompass additional genes. It is expected to result in an absent or disrupted protein product. Loss-of-function variants in EHMT1 are known to be pathogenic (PMID: 16826528, 19264732). A similar copy number variant has been observed in individual(s) with clinical features of EHMT1-related conditions (PMID: 21538692, 29416845, 32335911). For these reasons, this variant has been classified as Pathogenic.

Literature cited by the submitters: PubMed 16826528; PubMed 19264732; PubMed 21538692; PubMed 29416845; PubMed 32335911.

NC_000009.11:g.(?_140513481)_(140513521_?)del

Gene: EHMT1 (euchromatic histone lysine methyltransferase 1; plus strand). Cytogenetic location: 9q34.3.
Variant type: Deletion.
Identifiers: ClinVar variation 1459627 (VCV001459627.6).